The following is an entry in ClinVar:

NM_001083619.3(GRIA2):c.1169G>A (p.Ser390Asn)

Gene: GRIA2 (glutamate ionotropic receptor AMPA type subunit 2; plus strand). Cytogenetic location: 4q32.1.
Variant type: single nucleotide variant.
Coding change: c.1169G>A on transcript NM_001083619.3 (MANE Select); coding-DNA position 1169, G replaced by A.
Protein change: p.Ser390Asn; replaces serine 390 with asparagine.
Molecular consequence: missense variant.
Genome position (GRCh38, 1-based): chr4:157,334,023, G>A. VCF-style: chr4-157334023-G-A. GRCh37 (hg19) VCF-style: chr4-158255175-G-A.
Other names: c.1169G>A, p.Ser390Asn (NM_000826.6); c.1028G>A, p.Ser343Asn (NM_001083620.3, NM_001379000.3, NM_001379001.3); short protein forms S343N, S390N.
Identifiers: ClinVar variation 5036679 (VCV005036679.1).

ClinVar aggregate classification (germline): Likely benign (1 of 4 stars; one submission).

Conditions:
Neurodevelopmental disorder with language impairment and behavioral abnormalities. Also called: GRIA2-related neurodevelopmental disorder. Identifiers: MedGen C5394502, MONDO:0030060, OMIM 618917.

gnomAD v4.1: 41 of 1,590,812 alleles (0.0026%); highest among the groups gnomAD compares: South Asian, 0.042%; no homozygotes.

Submission:

Centre for Medical Genetics,  Mumbai
Classification: Likely benign for Neurodevelopmental disorder with language impairment and behavioral abnormalities. Last evaluated: 2026-06-11. Review status: criteria provided, single submitter. Criteria: ACMG Guidelines, 2015. Collection method: provider interpretation. Allele origin: germline. Inheritance: Autosomal dominant inheritance. Affected: no. Observed: 1 variant allele, 1 heterozygote.
Comment: The variant satisfies PM2 criteria - extremely low frequency in gnomAD population databases. The variant satisfies PP2 criteria - missense variant in a gene with low rate of benign missense mutations and for which missense mutation is a common mechanism of a disease. The variant satisfies BP4 criteria - for a missense or a splice region variant, computational prediction tools unanimously support a benign effect on the gene. However, the variant satisfies BS2 criteria - present in heterozygous state in an individual that clinically does not have Neurodevelopmental disorder with language impairment and behavioral abnormalities.

Literature cited by the submitters: PubMed 31300657.